The following is an entry in ClinVar:

NM_000535.7(PMS2):c.1485G>C (p.Gly495=)

Gene: PMS2 (PMS1 homolog 2, mismatch repair system component; minus strand). Cytogenetic location: 7p22.1.
Variant type: single nucleotide variant.
Coding change: c.1485G>C on transcript NM_000535.7 (MANE Select); coding-DNA position 1485, G replaced by C.
Protein change: p.Gly495=; no amino-acid change (glycine 495 retained).
Molecular consequence: synonymous variant. On other transcripts: non-coding transcript variant (1), intron variant (1).
Genome position (GRCh38, 1-based): chr7:5,987,280, C>G on the plus strand (G>C on the coding strand, the complement: PMS2 is on the minus strand). VCF-style: chr7-5987280-C-G. GRCh37 (hg19) VCF-style: chr7-6026911-C-G.
Other names: c.1080G>C, p.Gly360= (NM_001322003.2, NM_001322004.2, NM_001322005.2 and 16 more transcripts); c.1329G>C, p.Gly443= (NM_001322006.2, NM_001406870.1); c.1167G>C, p.Gly389= (NM_001322007.2, NM_001322008.2, NM_001406876.1 and 2 more transcripts); c.924G>C, p.Gly308= (NM_001322010.2, NM_001406906.1, NM_001406907.1); c.552G>C, p.Gly184= (NM_001322011.2, NM_001322012.2); c.912G>C, p.Gly304= (NM_001322013.2, NM_001406909.1); c.1485G>C, p.Gly495= (NM_001322014.2, NM_001406871.1, NM_001406872.1); c.1176G>C, p.Gly392= (NM_001322015.2, NM_001406875.1, NM_001406877.1 and 5 more transcripts); and 13 more.
Identifiers: ClinVar variation 3903444 (VCV003903444.1).
Genomic context (GRCh38, chr7:5,987,280, plus strand): 5'-GCAGTGACTGCCCGTGTCTGGGATGCTGAACCCCTCAGAATCCACGGAAGTGCTGCCGTG[C>G]CCCGAGTCCTTCTCCACCTCCGCTCTGTCCGTAGGGTCACTGGGTCCGTGACTGGAACTC-3'
Protein context (NP_000526.2, residues 485-505): TDRAEVEKDS[Gly495=]HGSTSVDSEG

ClinVar aggregate classification (germline): Benign (1 of 4 stars; one submission).

Conditions:
Lynch syndrome 4 (LYNCH4). Also called: Colorectal cancer, hereditary nonpolyposis, type 4; Hereditary non-polyposis colorectal cancer, type 4. Identifiers: Orphanet 144, MedGen C1838333, MONDO:0013699, OMIM 614337. Disease mechanism: loss of function.

Submission:

Myriad Genetics, Inc.
Classification: Benign for Lynch syndrome 4. Last evaluated: 2025-01-30. Review status: criteria provided, single submitter. Criteria: Myriad Autosomal Dominant, Autosomal Recessive and X-Linked Classification Criteria (2023). Collection method: clinical testing. Allele origin: unknown.
Comment: This variant is considered benign. This variant is a silent/synonymous amino acid change and it is not expected to impact splicing.